The following is an entry in ClinVar:

NM_000531.6(OTC):c.275G>A (p.Arg92Gln)

Gene: OTC (ornithine transcarbamylase; plus strand). Cytogenetic location: Xp11.4.
Variant type: single nucleotide variant.
Coding change: c.275G>A on transcript NM_000531.6 (MANE Select); coding-DNA position 275, G replaced by A.
Protein change: p.Arg92Gln; replaces arginine 92 with glutamine.
Molecular consequence: missense variant.
Genome position (GRCh38, 1-based): chrX:38,369,854, G>A. VCF-style: chrX-38369854-G-A. GRCh37 (hg19) VCF-style: chrX-38229107-G-A.
Other names: NM_000531.6(OTC):c.275G>A; short protein forms R92Q.
Identifiers: ClinVar variation 97152 (VCV000097152.22), dbSNP rs66550389, ClinGen allele CA285805.

ClinVar aggregate classification (germline): Pathogenic. Review status: reviewed by expert panel (3 of 4 stars). 10 submissions from 10 submitters: Pathogenic (1). 9 of the submissions do not count toward it. Last evaluated 2026-05-20.

Conditions:
OTC-related disorder. Also called: OTC-related condition.
Ornithine carbamoyltransferase deficiency (OTCD). Also called: Ornithine Carbamoyltransferase Deficiency Disease; ORNITHINE TRANSCARBAMYLASE DEFICIENCY; OTC DEFICIENCY; ORNITHINE TRANSCARBAMYLASE DEFICIENCY, HYPERAMMONEMIA DUE TO. Identifiers: Orphanet 664, MedGen C0268542, MONDO:0010703, OMIM 311250.

Submissions (10):

Clingen Urea Cycle Disorders Variant Curation Expert Panel, ClinGen
Classification: Pathogenic for Ornithine carbamoyltransferase deficiency. Last evaluated: 2026-05-20. Review status: reviewed by expert panel. Criteria: ClinGen UreaCycles ACMG Specifications OTC V1.0. Collection method: curation. Allele origin: germline. Inheritance: X-linked inheritance.
Comment: The NM_000531.6:c.275G>A (p.Arg92Gln) variant in OTC is a missense variant in biologically relevant exon 3. Computational evidence strongly suggests that this variant affects protein function (PP3_Strong). This variant is absent in gnomAD v4.1.0 (PM2_Supporting). This variant has been reported in the literature in 7 patients; 3 described as having OTC deficiency, but no details were provided regarding plasma amino acids/ammonia, urine orotic acid, or enzyme activity in patient cells; Clinical and biochemical symptoms were described for the remaining 4 patients (PMID: 26753873, 10799432, 36303552, 34670952) (PS4). Biochemical symptoms, specific to OTC deficiency, were reported in the literature for 2 patients (PMID: 30285816, 33272297; PP4_Moderate). This variant is located in a critical and well-established functional domain (the carbamylphosphate binding site at Arg-92) [PMID:9852088, 10813810, 11237854] (PM1). Additionally, this variant has been shown to result in <5% wild-type OTC growth activity in yeast assay, suggesting that this variant may impact protein function (PMID: 37146589, PS3_Supporting). In summary, this variant meets the criteria to be classified as a pathogenic variant for OTC deficiency based on the ACMG/AMP criteria applied, as specified by the ClinGen Urea Cycle Disorders Variant Curation Expert Panel (OTC specifications version 1.0.0): PP3_Strong, PM2_Supporting, PS4, PP4_Moderate, PM1, PS3_Supporting

Natera, Inc.
Classification: Pathogenic for Ornithine transcarbamylase deficiency. Last evaluated: 2025-11-14. Review status: criteria provided, single submitter. Criteria: Natera Variant Classification Schema (03/2026). Collection method: clinical testing. Allele origin: germline. Not counted in ClinVar's aggregate classification.
Comment: The c.275G>A variant in OTC is a missense variant predicted to cause substitution of arginine to glutamine at amino acid 92. This variant is rare in the general population with a frequency below the threshold expected for the associated phenotype(s). This variant has been observed in affected individual(s) with monoallelic occurrence (heterozygous/hemizygous) (PMID: 26753873). This variant has been confirmed as or assumed to be a de novo occurrence in one or more affected individuals (PMID: 33272297). Functional studies show that this variant may disrupt protein function (PMID: 19357713, 11399226). Computational prediction algorithms indicate this variant is likely to affect gene or protein function. Given the available evidence, this variant is classified as Pathogenic.

Labcorp Genetics (formerly Invitae), Labcorp
Classification: Pathogenic for Ornithine carbamoyltransferase deficiency. Last evaluated: 2023-12-10. Review status: criteria provided, single submitter. Criteria: Invitae Variant Classification Sherloc (09022015). Collection method: clinical testing. Allele origin: germline. Not counted in ClinVar's aggregate classification.
Comment: This sequence change replaces arginine, which is basic and polar, with glutamine, which is neutral and polar, at codon 92 of the OTC protein (p.Arg92Gln). This variant is not present in population databases (gnomAD no frequency). This missense change has been observed in individual(s) with ornithine transcarbamylase deficiency (PMID: 1671317, 19138872, 26753873, 30285816). ClinVar contains an entry for this variant (Variation ID: 97152). Advanced modeling of protein sequence and biophysical properties (such as structural, functional, and spatial information, amino acid conservation, physicochemical variation, residue mobility, and thermodynamic stability) performed at Invitae indicates that this missense variant is expected to disrupt OTC protein function with a positive predictive value of 95%. For these reasons, this variant has been classified as Pathogenic.

Revvity Omics, Revvity
Classification: Pathogenic for Ornithine carbamoyltransferase deficiency. Last evaluated: 2023-08-27. Review status: criteria provided, single submitter. Criteria: ACMG Guidelines, 2015. Collection method: clinical testing. Allele origin: germline. Not counted in ClinVar's aggregate classification.

Baylor Genetics
Classification: Pathogenic for Ornithine carbamoyltransferase deficiency. Last evaluated: 2022-10-27. Review status: criteria provided, single submitter. Criteria: ACMG Guidelines, 2015. Collection method: clinical testing. Allele origin: unknown. Not counted in ClinVar's aggregate classification.

Genome-Nilou Lab
Classification: Pathogenic for Ornithine carbamoyltransferase deficiency. Last evaluated: 2021-11-07. Review status: criteria provided, single submitter. Criteria: ACMG Guidelines, 2015. Collection method: clinical testing. Allele origin: germline. Affected: no. Not counted in ClinVar's aggregate classification.

Blueprint Genetics
Classification: Pathogenic for OTC-related disorders. Last evaluated: 2021-06-28. Review status: criteria provided, single submitter. Criteria: ACMG Guidelines, 2015. Collection method: clinical testing. Allele origin: germline. Affected: yes. Observed: 1 variant allele. Not counted in ClinVar's aggregate classification.

Rady Children's Institute for Genomic Medicine, Rady Children's Hospital San Diego
Classification: Pathogenic for ORNITHINE TRANSCARBAMYLASE DEFICIENCY, HYPERAMMONEMIA DUE TO. Last evaluated: 2020-07-10. Review status: criteria provided, single submitter. Criteria: ACMG Guidelines, 2015. Collection method: clinical testing. Allele origin: germline. Affected: yes. Not counted in ClinVar's aggregate classification.
Comment: This variant has been previously reported as a hemizygous change in patients with ornithine transcarbamylase deficiency (PMID: 1671317, 26753873, 30285816). It is absent from the gnomAD population database and thus is presumed to be rare. The c.275G>A (p.Arg92Gln) variant affects a highly conserved amino acid and is predicted by multiple in silico tools to have a deleterious effect on protein function. Analysis of the parental samples was negative for the variant, indicating this variant likely occurred as a de novo event. Based on the available evidence, the c.275G>A (p.Arg92Gln) variant is classified as Pathogenic.

Mendelics
Classification: Pathogenic for Ornithine carbamoyltransferase deficiency. Last evaluated: 2019-05-28. Review status: criteria provided, single submitter. Criteria: Mendelics Assertion Criteria 2017. Collection method: clinical testing. Allele origin: unknown. Not counted in ClinVar's aggregate classification.

GenMed Metabolism Lab
Classification: Pathogenic. Review status: no assertion criteria provided. Collection method: not provided. Allele origin: unknown. Not counted in ClinVar's aggregate classification.
Comment: p.Arg92Gln, Neonatal, CpG dinucleotide
ClinVar note: Converted during submission from pathogenic to Pathogenic.

Literature cited by the submitters: PubMed 26753873 (cited by Natera, Inc. and Labcorp Genetics (formerly Invitae), Labcorp); PubMed 33272297 (cited by Natera, Inc.); PubMed 19357713 (cited by Natera, Inc.); PubMed 11399226 (cited by Natera, Inc.); PubMed 1671317 (cited by Labcorp Genetics (formerly Invitae), Labcorp); PubMed 19138872 (cited by Labcorp Genetics (formerly Invitae), Labcorp); PubMed 30285816 (cited by Labcorp Genetics (formerly Invitae), Labcorp).